The following is an entry in ClinVar:

ClinVar aggregate classification (germline): Uncertain significance (1 of 4 stars; one submission).

gnomAD v4.1: 3 of 1,611,776 alleles (0.00019%); highest among the groups gnomAD compares: African/African-American, 0.0013%; no homozygotes.

Submission:

GeneDx
Classification: Uncertain significance. Last evaluated: 2026-02-11. Review status: criteria provided, single submitter. Criteria: GeneDx Variant Classification Process June 2021. Collection method: clinical testing. Allele origin: germline.
Comment: Not observed at significant frequency in large population cohorts (gnomAD); In silico analysis suggests that this missense variant does not alter protein structure/function; Has not been previously published as pathogenic or benign to our knowledge

NM_016239.4(MYO15A):c.607C>G (p.Leu203Val)

Gene: MYO15A (myosin XVA; plus strand). Cytogenetic location: 17p11.2.
Variant type: single nucleotide variant.
Coding change: c.607C>G on transcript NM_016239.4 (MANE Select); coding-DNA position 607, C replaced by G.
Protein change: p.Leu203Val; replaces leucine 203 with valine.
Molecular consequence: missense variant.
Genome position (GRCh38, 1-based): chr17:18,119,407, C>G. VCF-style: chr17-18119407-C-G. GRCh37 (hg19) VCF-style: chr17-18022721-C-G.
Other names: short protein forms L203V.
Identifiers: ClinVar variation 5009079 (VCV005009079.1).
Genomic context (GRCh38, chr17:18,119,407, plus strand): 5'-CCTGGGGGCCGGCTCCGGAGGTTCCCCCGCAGCCGCAGCATCTACGCGTCAGGCGAGCCC[C>G]TGGGCTTCCTGCCCTTCGAGGACGAGGCCCCATTCCATCACTCGGGCTCCCGCAAGTCGC-3'
Protein context (NP_057323.3, residues 193-213): SRSIYASGEP[Leu203Val]GFLPFEDEAP